The following is an entry in ClinVar:

NM_001384474.1(LOXHD1):c.1945G>A (p.Asp649Asn)

Gene: LOXHD1 (lipoxygenase homology PLAT domains 1; minus strand). Cytogenetic location: 18q21.1.
Variant type: single nucleotide variant.
Coding change: c.1945G>A on transcript NM_001384474.1 (MANE Select); coding-DNA position 1945, G replaced by A.
Protein change: p.Asp649Asn; replaces aspartic acid 649 with asparagine.
Molecular consequence: missense variant.
Genome position (GRCh38, 1-based): chr18:46,577,732, C>T on the plus strand (G>A on the coding strand, the complement: LOXHD1 is on the minus strand). VCF-style: chr18-46577732-C-T. GRCh37 (hg19) VCF-style: chr18-44157695-C-T.
Other names: c.1945G>A, p.Asp649Asn (NM_144612.7); short protein forms D649N.
Identifiers: ClinVar variation 178401 (VCV000178401.29), dbSNP rs141932807, ClinGen allele CA182256.

ClinVar aggregate classification (germline): Conflicting classifications of pathogenicity. Review status: criteria provided, conflicting classifications (1 of 4 stars). 9 submissions from 9 submitters: Uncertain significance (1); Benign (2); Likely benign (4). 2 of the submissions do not count toward it. Last evaluated 2026-01-28.

Conditions:
Autosomal recessive nonsyndromic hearing loss 77. Identifiers: Orphanet 90636, MedGen C2746083, MONDO:0013119, OMIM 613079.

Allele frequency attached by ClinVar (database versions not stated): gnomAD exomes 0.00087; ExAC 0.00164; gnomAD 0.00334 and 0.00362; TOPMed 0.00334; ESP Exome Variant Server 0.00416; 1000 Genomes Project 30x 0.00422; 1000 Genomes Project 0.00439.
gnomAD v4.1: 1,000 of 1,551,514 alleles (0.064%); highest among the groups gnomAD compares: African/African-American, 1.1%; 9 homozygotes.

Submissions (9):

Labcorp Genetics (formerly Invitae), Labcorp
Classification: Benign. Last evaluated: 2026-01-28. Review status: criteria provided, single submitter. Criteria: Invitae Variant Classification Sherloc (09022015). Collection method: clinical testing. Allele origin: germline.

CeGaT Center for Human Genetics Tuebingen
Classification: Likely benign. Last evaluated: 2025-12-01. Review status: criteria provided, single submitter. Criteria: CeGaT Center For Human Genetics Tuebingen Variant Classification Criteria Version 2. Collection method: clinical testing. Allele origin: germline. Affected: yes. Observed: 1 variant allele.
Comment: LOXHD1: BS1

Blueprint Genetics
Classification: Likely benign. Last evaluated: 2024-07-15. Review status: criteria provided, single submitter. Criteria: ACMG Guidelines, 2015. Collection method: clinical testing. Allele origin: germline.

Athena Diagnostics
Classification: Benign. Last evaluated: 2019-03-21. Review status: criteria provided, single submitter. Criteria: Athena Diagnostics Criteria. Collection method: clinical testing. Allele origin: germline.

GeneDx
Classification: Likely benign. Last evaluated: 2018-03-20. Review status: criteria provided, single submitter. Criteria: GeneDx Variant Classification (06012015). Collection method: clinical testing. Allele origin: germline. Affected: yes.
Comment: This variant is considered likely benign or benign based on one or more of the following criteria: it is a conservative change, it occurs at a poorly conserved position in the protein, it is predicted to be benign by multiple in silico algorithms, and/or has population frequency not consistent with disease.

Illumina Laboratory Services, Illumina
Classification: Uncertain significance for Autosomal recessive nonsyndromic hearing loss 77. Last evaluated: 2017-04-27. Review status: criteria provided, single submitter. Criteria: ICSL Variant Classification Criteria 13 December 2019. Collection method: clinical testing. Allele origin: germline.
Comment: This variant was observed as part of a predisposition screen in an ostensibly healthy population. A literature search was performed for the gene, cDNA change, and amino acid change (where applicable). Publications were found based on this search. However, the evidence from the literature, in combination with allele frequency data from public databases where available, was not sufficient to rule this variant in or out of causing disease. Therefore, this variant is classified as a variant of unknown significance.

Laboratory for Molecular Medicine, Mass General Brigham Personalized Medicine
Classification: Likely benign. Last evaluated: 2012-04-30. Review status: criteria provided, single submitter. Criteria: LMM Criteria. Collection method: clinical testing. Allele origin: germline. Observed: 4 variant alleles.
Comment: Asp649Asn in Exon 14 of LOXHD1: This variant is not expected to have clinical si gnificance because it has been identified in 1.6% (11/702) of African American c hromosomes from a broad population by the NHLBI Exome Sequencing Project (dbSNP rs141932807).

Natera, Inc.
Classification: Benign for Autosomal recessive deafness type 77. Last evaluated: 2020-01-06. Review status: no assertion criteria provided. Collection method: clinical testing. Allele origin: germline. Not counted in ClinVar's aggregate classification.

Counsyl
Classification: Likely benign for Autosomal recessive nonsyndromic hearing loss 77. Last evaluated: 2018-01-11. Review status: no assertion criteria provided. Collection method: clinical testing. Allele origin: unknown. Not counted in ClinVar's aggregate classification.

Literature cited by the submitters: PubMed 22341973 (cited by 3 submitters); PubMed 29676012 (cited by Athena Diagnostics).